The following is an entry in ClinVar:

NM_004714.3(DYRK1B):c.206G>A (p.Arg69Gln)

Gene: DYRK1B (dual specificity tyrosine phosphorylation regulated kinase 1B; minus strand). Cytogenetic location: 19q13.2.
Variant type: single nucleotide variant.
Coding change: c.206G>A on transcript NM_004714.3 (MANE Select); coding-DNA position 206, G replaced by A.
Protein change: p.Arg69Gln; replaces arginine 69 with glutamine.
Molecular consequence: missense variant.
Genome position (GRCh38, 1-based): chr19:39,830,541, C>T on the plus strand (G>A on the coding strand, the complement: DYRK1B is on the minus strand). VCF-style: chr19-39830541-C-T. GRCh37 (hg19) VCF-style: chr19-40321181-C-T.
Other names: c.206G>A, p.Arg69Gln (NM_006483.3, NM_006484.3); short protein forms R69Q.
Identifiers: ClinVar variation 4978449 (VCV004978449.1).

ClinVar aggregate classification (germline): Uncertain significance (1 of 4 stars; one submission).

Conditions:
DYRK1B-related disorder. Also called: DYRK1B-related condition.

gnomAD v4.1: 27 of 1,614,032 alleles (0.0017%); highest among the groups gnomAD compares: Middle Eastern, 0.016%; no homozygotes.

Submission:

PreventionGenetics, part of Exact Sciences
Classification: Uncertain significance for DYRK1B-related condition. Last evaluated: 2026-04-20. Review status: criteria provided, single submitter. Criteria: ACMG Guidelines, 2015. Collection method: clinical testing. Allele origin: germline.
Comment: The DYRK1B c.206G>A variant is predicted to result in the amino acid substitution p.Arg69Gln. To our knowledge, this variant has not been reported in the literature. This variant is reported in 0.0050% of alleles in individuals of East Asian descent in gnomAD. At this time, the clinical significance of this variant is uncertain due to the absence of conclusive functional and genetic evidence.